The following is an entry in ClinVar:

NM_014314.4(RIGI):c.965C>T (p.Thr322Ile)

Gene: RIGI (RNA sensor RIG-I; minus strand). Cytogenetic location: 9p21.1.
Variant type: single nucleotide variant.
Coding change: c.965C>T on transcript NM_014314.4 (MANE Select); coding-DNA position 965, C replaced by T.
Protein change: p.Thr322Ile; replaces threonine 322 with isoleucine.
Molecular consequence: missense variant.
Genome position (GRCh38, 1-based): chr9:32,488,192, G>A on the plus strand (C>T on the coding strand, the complement: RIGI is on the minus strand). VCF-style: chr9-32488192-G-A. GRCh37 (hg19) VCF-style: chr9-32488190-G-A.
Other names: c.959C>T, p.Thr320Ile (NM_001385907.1); c.965C>T, p.Thr322Ile (NM_001385909.1); c.524C>T, p.Thr175Ile (NM_001385910.1); c.356C>T, p.Thr119Ile (NM_001385912.1); c.950C>T, p.Thr317Ile (NM_001385913.1); c.521C>T, p.Thr174Ile (NM_001385914.1); short protein forms T317I, T320I, T119I, T322I, T174I, T175I.
Identifiers: ClinVar variation 1937819 (VCV001937819.5), dbSNP rs531295122, ClinGen allele CA5019934.

ClinVar aggregate classification (germline): Uncertain significance (1 of 4 stars; one submission).

Allele frequency attached by ClinVar (database versions not stated): ExAC 0.00002.
gnomAD v4.1: 27 of 1,613,884 alleles (0.0017%); highest among the groups gnomAD compares: Non-Finnish European, 0.0021%; no homozygotes.

Submission:

Labcorp Genetics (formerly Invitae), Labcorp
Classification: Uncertain significance. Last evaluated: 2022-03-13. Review status: criteria provided, single submitter. Criteria: Invitae Variant Classification Sherloc (09022015). Collection method: clinical testing. Allele origin: germline.
Comment: In summary, the available evidence is currently insufficient to determine the role of this variant in disease. Therefore, it has been classified as a Variant of Uncertain Significance. Algorithms developed to predict the effect of missense changes on protein structure and function (SIFT, PolyPhen-2, Align-GVGD) all suggest that this variant is likely to be tolerated. This variant has not been reported in the literature in individuals affected with DDX58-related conditions. This variant is present in population databases (rs531295122, gnomAD 0.003%). This sequence change replaces threonine, which is neutral and polar, with isoleucine, which is neutral and non-polar, at codon 322 of the DDX58 protein (p.Thr322Ile).